The following is an entry in ClinVar:

ClinVar aggregate classification (germline): Pathogenic (1 of 4 stars; one submission).

Conditions:
Ehlers-Danlos syndrome, classic type, 1 (EDSCL1). Also called: Ehlers-Danlos Syndrome, Classic Type, COL5A1-Related; EDS I; Ehlers-Danlos syndrome, type 1; EHLERS-DANLOS SYNDROME, GRAVIS TYPE; EHLERS-DANLOS SYNDROME, SEVERE CLASSIC TYPE. Identifiers: MedGen C0268335, MONDO:0019567, OMIM 130000.

Submission:

Labcorp Genetics (formerly Invitae), Labcorp
Classification: Pathogenic for Ehlers-Danlos syndrome, classic type, 1. Last evaluated: 2018-04-27. Review status: criteria provided, single submitter. Criteria: Invitae Variant Classification Sherloc (09022015). Collection method: clinical testing. Allele origin: germline.
Comment: This sequence change creates a premature translational stop signal (p.Gln722*) in the COL5A1 gene. It is expected to result in an absent or disrupted protein product. This variant is not present in population databases (ExAC no frequency). This variant has not been reported in the literature in individuals with COL5A1-related disease. Loss-of-function variants in COL5A1 are known to be pathogenic (PMID: 23587214). For these reasons, this variant has been classified as Pathogenic.

Literature cited by the submitters: PubMed 23587214.

NM_000093.5(COL5A1):c.2164C>T (p.Gln722Ter)

Gene: COL5A1 (collagen type V alpha 1 chain; plus strand). Cytogenetic location: 9q34.3.
Variant type: single nucleotide variant.
Coding change: c.2164C>T on transcript NM_000093.5 (MANE Select); coding-DNA position 2164, C replaced by T.
Protein change: p.Gln722Ter; replaces glutamine 722 with a stop codon.
Molecular consequence: nonsense.
Genome position (GRCh38, 1-based): chr9:134,767,030, C>T. VCF-style: chr9-134767030-C-T. GRCh37 (hg19) VCF-style: chr9-137658876-C-T.
Other names: c.2164C>T, p.Gln722Ter (NM_001278074.1); short protein forms Q722*.
Identifiers: ClinVar variation 580705 (VCV000580705.8), dbSNP rs1564446117, ClinGen allele CA375448220.